The following is an entry in ClinVar:

NM_052947.4(ALPK2):c.2053G>C (p.Gly685Arg)

Gene: ALPK2 (alpha kinase 2; minus strand). Cytogenetic location: 18q21.31.
Variant type: single nucleotide variant.
Coding change: c.2053G>C on transcript NM_052947.4 (MANE Select); coding-DNA position 2053, G replaced by C.
Protein change: p.Gly685Arg; replaces glycine 685 with arginine.
Molecular consequence: missense variant.
Genome position (GRCh38, 1-based): chr18:58,538,134, C>G on the plus strand (G>C on the coding strand, the complement: ALPK2 is on the minus strand). VCF-style: chr18-58538134-C-G. GRCh37 (hg19) VCF-style: chr18-56205366-C-G.
Other names: short protein forms G685R.
Identifiers: ClinVar variation 3531427 (VCV003531427.1).

ClinVar aggregate classification (germline): Uncertain significance (1 of 4 stars; one submission).

Submission:

Ambry Genetics
Classification: Uncertain significance. Last evaluated: 2024-09-08. Review status: criteria provided, single submitter. Criteria: Ambry Variant Classification Scheme 2023. Collection method: clinical testing. Allele origin: germline.
Comment: The p.G685R variant (also known as c.2053G>C), located in coding exon 4 of the ALPK2 gene, results from a G to C substitution at nucleotide position 2053. The glycine at codon 685 is replaced by arginine, an amino acid with dissimilar properties. This amino acid position is conserved. In addition, this alteration is predicted to be tolerated by in silico analysis. Based on the available evidence, the clinical significance of this variant remains unclear.